The following is an entry in ClinVar:

NM_000312.4(PROC):c.534A>G (p.Ala178=)

Gene: PROC (protein C, inactivator of coagulation factors Va and VIIIa; plus strand). Cytogenetic location: 2q14.3.
Variant type: single nucleotide variant.
Coding change: c.534A>G on transcript NM_000312.4 (MANE Select); coding-DNA position 534, A replaced by G.
Protein change: p.Ala178=; no amino-acid change (alanine 178 retained).
Molecular consequence: synonymous variant.
Genome position (GRCh38, 1-based): chr2:127,423,407, A>G. VCF-style: chr2-127423407-A-G. GRCh37 (hg19) VCF-style: chr2-128180983-A-G.
Other names: c.717A>G, p.Ala239= (NM_001375602.1); c.699A>G, p.Ala233= (NM_001375603.1); c.597A>G, p.Ala199= (NM_001375604.1); c.636A>G, p.Ala212= (NM_001375605.1); c.702A>G, p.Ala234= (NM_001375606.1); c.720A>G, p.Ala240= (NM_001375607.1); c.477A>G, p.Ala159= (NM_001375608.1); c.510A>G, p.Ala170= (NM_001375609.1); and 2 more.
Identifiers: ClinVar variation 536968 (VCV000536968.6), dbSNP rs368367611, ClinGen allele CA55345575.
Genomic context (GRCh38, chr2:127,423,407, plus strand): 5'-GCGCTGTAGCTGTGCGCCTGGCTACAAGCTGGGGGACGACCTCCTGCAGTGTCACCCCGC[A>G]GGTGAGAAGCCCCCAATACATCGCCCAGGAATCACGCTGGGTGCAGGGTGGGCAGGCCCC-3'
Protein context (NP_000303.1, residues 168-188): LGDDLLQCHP[Ala178=]VKFPCGRPWK

ClinVar aggregate classification (germline): Uncertain significance. Review status: criteria provided, multiple submitters, no conflicts (2 of 4 stars). 2 submissions from 2 submitters: Uncertain significance (2). Last evaluated 2021-11-08.

Conditions:
Thrombophilia due to protein C deficiency, autosomal dominant. Also called: PROC DEFICIENCY, AUTOSOMAL DOMINANT; PROTEIN C DEFICIENCY, AUTOSOMAL DOMINANT. Identifiers: Orphanet 745, MedGen C2674321, MONDO:0008316, OMIM 176860. Disease mechanism: loss of function.
Thrombophilia due to protein C deficiency, autosomal recessive. Also called: PROC DEFICIENCY, AUTOSOMAL RECESSIVE; PROTEIN C DEFICIENCY, AUTOSOMAL RECESSIVE. Identifiers: Orphanet 745, MedGen C2676759, MONDO:0012860, OMIM 612304.

Allele frequency attached by ClinVar (database versions not stated): gnomAD 0.00003 and 0.00004; TOPMed 0.00004; gnomAD exomes 0.00007; ESP Exome Variant Server 0.00008.
gnomAD v4.1: 182 of 1,549,560 alleles (0.012%); highest among the groups gnomAD compares: Non-Finnish European, 0.015%; no homozygotes.

Submissions (3):

Labcorp Genetics (formerly Invitae), Labcorp
Classification: Uncertain significance for Thrombophilia due to protein C deficiency, autosomal dominant. Last evaluated: 2021-11-08. Review status: criteria provided, single submitter. Criteria: Invitae Variant Classification Sherloc (09022015). Collection method: clinical testing. Allele origin: germline.
Comment: This sequence change affects codon 178 of the PROC mRNA. It is a 'silent' change, meaning that it does not change the encoded amino acid sequence of the PROC protein. It affects a nucleotide within the consensus splice site. This variant is present in population databases (rs368367611, gnomAD 0.01%). This variant has been observed in individual(s) with pulmonary embolism and embolic stroke (Invitae). ClinVar contains an entry for this variant (Variation ID: 536968). Algorithms developed to predict the effect of sequence changes on RNA splicing suggest that this variant may disrupt the consensus splice site. In summary, the available evidence is currently insufficient to determine the role of this variant in disease. Therefore, it has been classified as a Variant of Uncertain Significance.

Fulgent Genetics
Classification: Uncertain significance for Thrombophilia due to protein C deficiency, autosomal dominant; Thrombophilia due to protein C deficiency, autosomal recessive. Last evaluated: 2021-09-20. Review status: criteria provided, single submitter. Criteria: ACMG Guidelines, 2015. Collection method: clinical testing. Allele origin: unknown.

Dr. Peter K. Rogan Lab, Western University
No classification provided (evidence only). Condition: Ovarian serous cystadenocarcinoma. Review status: no classification provided. Collection method: in vitro. Allele origin: not applicable. Functional consequence: retained intron. Not counted in ClinVar's aggregate classification.